The following is an entry in ClinVar:

NM_130837.3(OPA1):c.2162del (p.Pro721fs)

Gene: OPA1 (OPA1 mitochondrial dynamin like GTPase; plus strand). Cytogenetic location: 3q29.
Variant type: Deletion.
Coding change: c.2162del on transcript NM_130837.3 (MANE Select); coding-DNA position 2162, one base deleted (C; older notation c.2162delC).
Protein change: p.Pro721fs; shifts the reading frame from proline 721.
Molecular consequence: frameshift variant.
Genome position (GRCh38, 1-based): chr3:193,655,011, C deleted; the last of 2 consecutive C bases (chr3:193,655,010-193,655,011); deleting either gives the same sequence. VCF-style (leftmost placement, unchanged base first): chr3-193655009-TC-T. GRCh37 (hg19) VCF-style: chr3-193372798-TC-T.
Other names: c.1628del, p.Pro543fs (NM_001354663.2); c.1625del, p.Pro542fs (NM_001354664.2); c.1997del, p.Pro666fs (NM_015560.3); c.1889del, p.Pro630fs (NM_130831.3); c.1943del, p.Pro648fs (NM_130832.3); c.2000del, p.Pro667fs (NM_130833.3); c.2051del, p.Pro684fs (NM_130834.3); c.2054del, p.Pro685fs (NM_130835.3); and 1 more; short protein forms P542fs, P543fs, P630fs, P648fs, P666fs, P667fs, P684fs, P685fs.
Identifiers: ClinVar variation 3778310 (VCV003778310.7).

ClinVar aggregate classification (germline): Pathogenic (1 of 4 stars; one submission).

Submission:

CeGaT Center for Human Genetics Tuebingen
Classification: Pathogenic. Last evaluated: 2025-03-01. Review status: criteria provided, single submitter. Criteria: CeGaT Center For Human Genetics Tuebingen Variant Classification Criteria Version 2. Collection method: clinical testing. Allele origin: germline. Affected: yes. Observed: 1 variant allele.
Comment: OPA1: PVS1, PM2, PS4:Supporting